The following is an entry in ClinVar:

ClinVar aggregate classification (germline): Uncertain significance (1 of 4 stars; one submission).

Conditions:
Autosomal recessive nonsyndromic hearing loss 1A (DFNB1A). Also called: Nonsyndromic Hearing Loss and Deafness, DFNB1; GJB6-Related DFNB 1 Nonsyndromic Hearing Loss and Deafness; Deafness, autosomal recessive 1A; Connexin 26 deafness; Deafness nonsyndromic, Connexin 26 linked; GJB2-Related Autosomal Recessive Nonsyndromic Hearing Loss. Identifiers: Orphanet 90636, MedGen C2673759, MONDO:0009076, OMIM 220290.
Autosomal recessive nonsyndromic hearing loss 1B. Also called: DEAFNESS, AUTOSOMAL RECESSIVE 1B. Identifiers: Orphanet 90636, MedGen C2675235, MONDO:0012977, OMIM 612645.
Autosomal dominant nonsyndromic hearing loss 3B. Identifiers: Orphanet 90635, MedGen C2675237, MONDO:0012975, OMIM 612643.
Hidrotic ectodermal dysplasia syndrome (GJB6). Also called: Ectodermal dysplasia 2, hidrotic; Autosomal dominant hidrotic ectodermal dysplasia; Clouston syndrome; Clouston's hidrotic ectodermal dysplasia; CLOUSTON HIDROTIC ECTODERMAL DYSPLASIA; ECTODERMAL DYSPLASIA 2, CLOUSTON TYPE. Identifiers: Orphanet 189, MedGen C0162361, MONDO:0007510, OMIM 129500.

Submission:

Labcorp Genetics (formerly Invitae), Labcorp
Classification: Uncertain significance for Autosomal dominant nonsyndromic hearing loss 3B; Hidrotic ectodermal dysplasia syndrome; Autosomal recessive nonsyndromic hearing loss 1B; Autosomal recessive nonsyndromic hearing loss 1A. Last evaluated: 2022-10-08. Review status: criteria provided, single submitter. Criteria: Invitae Variant Classification Sherloc (09022015). Collection method: clinical testing. Allele origin: germline.
Comment: In summary, the available evidence is currently insufficient to determine the role of this variant in disease. Therefore, it has been classified as a Variant of Uncertain Significance. Advanced modeling of protein sequence and biophysical properties (such as structural, functional, and spatial information, amino acid conservation, physicochemical variation, residue mobility, and thermodynamic stability) performed at Invitae indicates that this missense variant is expected to disrupt GJB6 protein function. This variant has not been reported in the literature in individuals affected with GJB6-related conditions. This variant is not present in population databases (gnomAD no frequency). This sequence change replaces glycine, which is neutral and non-polar, with valine, which is neutral and non-polar, at codon 59 of the GJB6 protein (p.Gly59Val).

NM_001110219.3(GJB6):c.176G>T (p.Gly59Val)

Gene: GJB6 (gap junction protein beta 6; minus strand). Cytogenetic location: 13q12.11.
Variant type: single nucleotide variant.
Coding change: c.176G>T on transcript NM_001110219.3 (MANE Select); coding-DNA position 176, G replaced by T.
Protein change: p.Gly59Val; replaces glycine 59 with valine.
Molecular consequence: missense variant.
Genome position (GRCh38, 1-based): chr13:20,223,305, C>A on the plus strand (G>T on the coding strand, the complement: GJB6 is on the minus strand). VCF-style: chr13-20223305-C-A. GRCh37 (hg19) VCF-style: chr13-20797444-C-A.
Other names: c.176G>T, p.Gly59Val (NM_001110220.3, NM_001110221.3, NM_001370090.1 and 3 more transcripts); short protein forms G59V.
Identifiers: ClinVar variation 1721249 (VCV001721249.6), dbSNP rs2137333887, ClinGen allele CA387468680.